The following is an entry in ClinVar:

NM_004484.4(GPC3):c.1519G>C (p.Gly507Arg)

Gene: GPC3 (glypican 3; minus strand). Cytogenetic location: Xq26.2.
Variant type: single nucleotide variant.
Coding change: c.1519G>C on transcript NM_004484.4 (MANE Select); coding-DNA position 1519, G replaced by C.
Protein change: p.Gly507Arg; replaces glycine 507 with arginine.
Molecular consequence: missense variant.
Genome position (GRCh38, 1-based): chrX:133,596,494, C>G on the plus strand (G>C on the coding strand, the complement: GPC3 is on the minus strand). VCF-style: chrX-133596494-C-G. GRCh37 (hg19) VCF-style: chrX-132730522-C-G.
Other names: c.1588G>C, p.Gly530Arg (NM_001164617.2); c.1471G>C, p.Gly491Arg (NM_001164618.2); c.1357G>C, p.Gly453Arg (NM_001164619.2); short protein forms G507R, G530R, G453R, G491R.
Identifiers: ClinVar variation 2185719 (VCV002185719.4), dbSNP rs2069916769, ClinGen allele CA414700968.
Genomic context (GRCh38, chrX:133,596,494, plus strand): 5'-AGTTACCTGCAAGGAAGCGGAGCTGATTCTTCACTTTTATCATTCCATCACCAGAGCCTC[C>G]AATGCACTCATCTTCATCATCACCGCAGTCTCCACTTTCAAACCCTTCCTCATCCAGGTT-3'
Protein context (NP_004475.1, residues 497-517): DCGDDEDECI[Gly507Arg]GSGDGMIKVK

ClinVar aggregate classification (germline): Uncertain significance (1 of 4 stars; one submission).

Conditions:
Wilms tumor 1 (WT1). Also called: Wilms tumor, somatic. Identifiers: Orphanet 654, MedGen CN033288, MONDO:0008679, OMIM 194070.

Submission:

Labcorp Genetics (formerly Invitae), Labcorp
Classification: Uncertain significance for Wilms tumor 1. Last evaluated: 2023-05-01. Review status: criteria provided, single submitter. Criteria: Invitae Variant Classification Sherloc (09022015). Collection method: clinical testing. Allele origin: germline.
Comment: In summary, the available evidence is currently insufficient to determine the role of this variant in disease. Therefore, it has been classified as a Variant of Uncertain Significance. Algorithms developed to predict the effect of missense changes on protein structure and function output the following: SIFT: "Not Available"; PolyPhen-2: "Benign"; Align-GVGD: "Not Available". The arginine amino acid residue is found in multiple mammalian species, which suggests that this missense change does not adversely affect protein function. ClinVar contains an entry for this variant (Variation ID: 2185719). This variant has not been reported in the literature in individuals affected with GPC3-related conditions. This variant is not present in population databases (gnomAD no frequency). This sequence change replaces glycine, which is neutral and non-polar, with arginine, which is basic and polar, at codon 507 of the GPC3 protein (p.Gly507Arg).